The following is an entry in ClinVar:

ClinVar aggregate classification (germline): Benign. Review status: reviewed by expert panel (3 of 4 stars). 12 submissions from 11 submitters: Benign (1). 11 of the submissions do not count toward it. Last evaluated 2015-01-12.

Conditions:
Hereditary breast ovarian cancer syndrome. Also called: Hereditary breast and/or ovarian cancer syndrome; Hereditary breast and ovarian cancer syndrome; Hereditary breast and ovarian cancer syndrome (HBOC); Breast and ovarian cancer; Hereditary breast and ovarian cancer; BRCA1- and BRCA2-Associated Hereditary Breast and Ovarian Cancer. Identifiers: Orphanet 145, MedGen C0677776, MeSH D061325, MONDO:0003582. Disease mechanism: loss of function.
Breast-ovarian cancer, familial, susceptibility to, 2 (BROVCA2). Also called: BRCA2 Hereditary Breast and Ovarian Cancer. Identifiers: Orphanet 145, MedGen C2675520, MONDO:0012933, OMIM 612555. Disease mechanism: loss of function.
Familial cancer of breast. Also called: Hereditary breast cancer; hereditary breast carcinoma; BREAST CANCER, FAMILIAL. Identifiers: Orphanet 227535, MedGen C0346153, MONDO:0016419, OMIM 114480. Disease mechanism: loss of function.

Allele frequency attached by ClinVar (database versions not stated): TOPMed 0.01481; ESP Exome Variant Server 0.01523; 1000 Genomes Project 0.01617; 1000 Genomes Project 30x 0.01765.
gnomAD v4.1: 4,177 of 1,574,010 alleles (0.27%); highest among the groups gnomAD compares: African/African-American, 4.7%; 82 homozygotes.

Submissions (12):

Evidence-based Network for the Interpretation of Germline Mutant Alleles (ENIGMA)
Classification: Benign for Breast-ovarian cancer, familial 2. Last evaluated: 2015-01-12. Review status: reviewed by expert panel. Criteria: ENIGMA BRCA1/2 Classification Criteria (2015). Collection method: curation. Allele origin: germline.
Comment: Class 1 not pathogenic based on frequency >1% in an outbred sampleset. Frequency 0.05488 (African), derived from 1000 genomes (2012-04-30).

Center for Genomic Medicine, Rigshospitalet, Copenhagen University Hospital
Classification: Benign. Last evaluated: 2025-03-04. Review status: criteria provided, single submitter. Criteria: ACMG Guidelines, 2015. Collection method: clinical testing. Allele origin: germline. Not counted in ClinVar's aggregate classification.

KCCC/NGS Laboratory, Kuwait Cancer Control Center
Classification: Benign for Familial cancer of breast. Last evaluated: 2025-02-01. Review status: criteria provided, single submitter. Criteria: ACMG Guidelines, 2015. Collection method: clinical testing. Allele origin: germline. Affected: no. Not counted in ClinVar's aggregate classification.

KCCC/NGS Laboratory, Kuwait Cancer Control Center
Classification: Benign for Breast-ovarian cancer, familial, susceptibility to, 2. Last evaluated: 2023-07-07. Review status: criteria provided, single submitter. Criteria: ACMG Guidelines, 2015. Collection method: clinical testing. Allele origin: germline. Affected: yes. Not counted in ClinVar's aggregate classification.

National Health Laboratory Service, Universitas Academic Hospital and University of the Free State
Classification: Benign for Hereditary breast ovarian cancer syndrome. Last evaluated: 2022-04-19. Review status: criteria provided, single submitter. Criteria: ACMG Guidelines, 2015. Collection method: clinical testing. Allele origin: germline. Affected: yes. Observed: 104 variant alleles. Not counted in ClinVar's aggregate classification.

GeneDx
Classification: Benign. Last evaluated: 2015-03-03. Review status: criteria provided, single submitter. Criteria: GeneDx Variant Classification Process June 2021. Collection method: clinical testing. Allele origin: germline. Affected: yes. Not counted in ClinVar's aggregate classification.

Molecular Genetics Laboratory, University of Michigan
Classification: Benign for Breast-ovarian cancer, familial, susceptibility to, 2. Last evaluated: 2014-11-03. Review status: criteria provided, single submitter. Criteria: ACMG Guidelines, 2015. Collection method: clinical testing. Allele origin: germline. Affected: yes. Not counted in ClinVar's aggregate classification.

Genome Diagnostics Laboratory, University Medical Center Utrecht
Classification: Likely benign for Breast-ovarian cancer, familial, susceptibility to, 2. Last evaluated: 2014-10-09. Review status: criteria provided, single submitter. Criteria: ACGS Guidelines, 2013. Collection method: clinical testing. Allele origin: germline. Affected: yes. Study: VKGL Data-share Consensus. Not counted in ClinVar's aggregate classification.

Breakthrough Genomics
Classification: Benign. Review status: criteria provided, single submitter. Criteria: ACMG Guidelines, 2015. Collection method: not provided. Allele origin: germline. Inheritance: Autosomal recessive inheritance. Affected: yes. Not counted in ClinVar's aggregate classification.

Breast Cancer Information Core (BIC) (BRCA2)
Classification: Uncertain significance for Breast-ovarian cancer, familial 2. Last evaluated: 1998-11-30. Review status: no assertion criteria provided. Collection method: clinical testing. Allele origin: germline. Affected: yes. Observed: 1 variant allele. Not counted in ClinVar's aggregate classification.

Clinical Genetics Laboratory, Department of Pathology, Netherlands Cancer Institute
Classification: Benign. Review status: no assertion criteria provided. Collection method: clinical testing. Allele origin: germline. Affected: yes. Study: VKGL Data-share Consensus. Not counted in ClinVar's aggregate classification.

Department of Pathology and Laboratory Medicine, Sinai Health System
Classification: Benign. Review status: no assertion criteria provided. Collection method: clinical testing. Allele origin: unknown. Affected: yes. Observed: 3 variant alleles. Study: The Canadian Open Genetics Repository (COGR). Not counted in ClinVar's aggregate classification.
Comment: The BRCA2 c.8487+47C>T variant was identified in the literature. The variant was also identified in dbSNP (ID: rs11571744) â€šÃ„ÃºWith Uncertain significance alleleâ€šÃ„Ã¹, with a minor allele frequency of 0.0162 (1000 Genomes Project), NHLBI Exome Sequencing Project (Exome Variant Server), Exome Aggregation Consortium (ExAC) database, Clinvitae database (X1), LOVD, the ClinVar database, GeneInsight COGR database (1X), the BIC database (2X with no clinical importance), and UMD (37X as a neutral variant). In UMD the variant was identified with a co-occurring pathogenic BRCA1 and BRCA2 variants (BRCA1 (c.1813dup (p.Ile605AsnfsX11); c.5576_5579delTTAA (p.Ile1859LysfsX3); c.1310_1313delAAGA (p.Lys437IlefsX22); BRCA2 (c.IVS16+6T>C (c.4986+6T>C); c.1488delT (p.Leu498SerfsX5)), increasing the likelihood that the c.8487+47C>T variant does not have clinical significance. In BIC database variant was reported to occur in outbred control reference groups at an allele frequency >1% (MAF>0.01), and classifies the variant as not pathogenic/low clinical significance. This variant was identified in the 1000 Genomes Project in 81 of 5000 chromosomes (frequency: 0.0162), Exome Variant Server project in 1 of 8600 European American and in 197 of 4404 African American alleles, increasing the likelihood that this may be a low frequency benign variant in certain populations of origin. The variant was also found in the Exome Aggregation Consortium (ExAC) database (released Jan 13, 2015) in 436 of 9658 chromosomes (frequency: 0.045) and nine times in homozygous state from a population of African individuals, increasing the likelihood that this may be a low frequency benign variant in certain populations of origin. The variant was also identified in 39 of 91040 European (Non-Finnish)/ Latino / South Asian/European (Finnish) individuals, increasing the likelihood this could be a low frequency benign variant. The variant occurs outside of the splicing consensus sequence and in silico or computational prediction software programs (SpliceSiteFinder, MaxEntScan, NNSPLICE, GeneSplicer, HumanSpliceFinder) do not predict a difference in splicing. In addition, global sequence diversity analysis identified the variant has global heterozygosity 0.018 and classified the variant as polymorphism (Wagner 1999). In summary, based on the above information, this variant meets our laboratory's criteria to be classified as benign.

Literature cited by the submitters: DOI 10.3389/fgene.2022.834265 (cited by National Health Laboratory Service, Universitas Academic Hospital and University of the Free State).

NM_000059.4(BRCA2):c.8487+47C>T

Gene: BRCA2 (BRCA2 DNA repair associated; plus strand). Cytogenetic location: 13q13.1.
Variant type: single nucleotide variant.
Coding change: c.8487+47C>T on transcript NM_000059.4 (MANE Select); 47 bases into the intron after coding-DNA position 8487, C replaced by T.
Molecular consequence: intron variant.
Genome position (GRCh38, 1-based): chr13:32,370,604, C>T. VCF-style: chr13-32370604-C-T. GRCh37 (hg19) VCF-style: chr13-32944741-C-T.
Other names: IVS19+47C/T; IVS 19+47C>T.
Identifiers: ClinVar variation 126179 (VCV000126179.31), dbSNP rs11571744, ClinGen allele CA025673.
Genomic context (GRCh38, chr13:32,370,604, plus strand): 5'-CATACCCTATACAGGTATGATGTATTCTTGAAACTTACCATATATTTCTTTCTTTTGATA[C>T]AATTAATTTGTTTGTTTGTTTGAGATGGAGTTTCGGTCTCTTGCCCAGGCTGGAGTGCAA-3'